The following is an entry in ClinVar:

NM_001042492.3(NF1):c.7706T>C (p.Met2569Thr)

Gene: NF1 (neurofibromin 1; plus strand). Cytogenetic location: 17q11.2.
Variant type: single nucleotide variant.
Coding change: c.7706T>C on transcript NM_001042492.3 (MANE Select); coding-DNA position 7706, T replaced by C.
Protein change: p.Met2569Thr; replaces methionine 2569 with threonine.
Molecular consequence: missense variant.
Genome position (GRCh38, 1-based): chr17:31,356,550, T>C. VCF-style: chr17-31356550-T-C. GRCh37 (hg19) VCF-style: chr17-29683568-T-C.
Other names: c.7643T>C, p.Met2548Thr (NM_000267.4); short protein forms M2548T, M2569T.
Identifiers: ClinVar variation 1499011 (VCV001499011.8), dbSNP rs2151581300, ClinGen allele CA399018170.
Genomic context (GRCh38, chr17:31,356,550, plus strand): 5'-CAGACACAAAGGCTCCTAAAAGGCAAGAAATGGAATCAGGGATCACAACACCCCCCAAAA[T>C]GAGGAGAGTAGCAGAAACTGATTATGAAATGGGTGAGAAACAAAGTATTGATCTAGATCA-3'
Protein context (NP_001035957.1, residues 2559-2579): MESGITTPPK[Met2569Thr]RRVAETDYEM

ClinVar aggregate classification (germline): Uncertain significance (1 of 4 stars; one submission).

Conditions:
Neurofibromatosis, type 1 (NF1). Also called: VON RECKLINGHAUSEN DISEASE; NEUROFIBROMATOSIS, TYPE I, SOMATIC; Peripheral type neurofibromatosis; Neurofibromatosis, type I. Identifiers: Orphanet 636, MedGen C0027831, MONDO:0018975, OMIM 162200. Disease mechanism: loss of function.

Submission:

Labcorp Genetics (formerly Invitae), Labcorp
Classification: Uncertain significance for Neurofibromatosis, type 1. Last evaluated: 2025-05-27. Review status: criteria provided, single submitter. Criteria: Invitae Variant Classification Sherloc (09022015). Collection method: clinical testing. Allele origin: germline.
Comment: This sequence change replaces methionine, which is neutral and non-polar, with threonine, which is neutral and polar, at codon 2548 of the NF1 protein (p.Met2548Thr). This variant is not present in population databases (gnomAD no frequency). This variant has not been reported in the literature in individuals affected with NF1-related conditions. ClinVar contains an entry for this variant (Variation ID: 1499011). Invitae Evidence Modeling of protein sequence and biophysical properties (such as structural, functional, and spatial information, amino acid conservation, physicochemical variation, residue mobility, and thermodynamic stability) has been performed for this missense variant. However, the output from this modeling did not meet the statistical confidence thresholds required to predict the impact of this variant on NF1 protein function. In summary, the available evidence is currently insufficient to determine the role of this variant in disease. Therefore, it has been classified as a Variant of Uncertain Significance.